The following is an entry in ClinVar:

NM_000038.6(APC):c.7885A>G (p.Thr2629Ala)

Gene: APC (APC regulator of Wnt signaling pathway; plus strand). Cytogenetic location: 5q22.2.
Variant type: single nucleotide variant.
Coding change: c.7885A>G on transcript NM_000038.6 (MANE Select); coding-DNA position 7885, A replaced by G.
Protein change: p.Thr2629Ala; replaces threonine 2629 with alanine.
Molecular consequence: missense variant. On other transcripts: non-coding transcript variant (2).
Genome position (GRCh38, 1-based): chr5:112,843,479, A>G. VCF-style: chr5-112843479-A-G. GRCh37 (hg19) VCF-style: chr5-112179176-A-G.
Other names: c.7885A>G, p.Thr2629Ala (NM_001127510.3, NM_001354895.2, NM_001407450.1); c.7831A>G, p.Thr2611Ala (NM_001127511.3); c.7939A>G, p.Thr2647Ala (NM_001354896.2, NM_001407447.1, NM_001407448.1 and 1 more transcripts); c.7915A>G, p.Thr2639Ala (NM_001354897.2); c.7810A>G, p.Thr2604Ala (NM_001354898.2); c.7801A>G, p.Thr2601Ala (NM_001354899.2); c.7762A>G, p.Thr2588Ala (NM_001354900.2); c.7708A>G, p.Thr2570Ala (NM_001354901.2, NM_001407453.1); and 11 more; short protein forms T2570A, T2639A, T2245A, T2469A, T2619A, T2346A, T2528A, T2538A.
Identifiers: ClinVar variation 5024315 (VCV005024315.1).
Genomic context (GRCh38, chr5:112,843,479, plus strand): 5'-AAAGGAACATGGAGAAAAATAAAAGAAAATGAATTTTCTCCCACAAATAGTACTTCTCAG[A>G]CCGTTTCCTCAGGTGCTACAAATGGTGCTGAATCAAAGACTCTAATTTATCAAATGGCAC-3'
Protein context (NP_000029.2, residues 2619-2639): EFSPTNSTSQ[Thr2629Ala]VSSGATNGAE

ClinVar aggregate classification (germline): Uncertain significance (1 of 4 stars; one submission).

Conditions:
Hereditary cancer-predisposing syndrome. Also called: Neoplastic Syndromes, Hereditary; Tumor predisposition; Hereditary neoplastic syndrome; Hereditary Cancer Syndrome. Identifiers: Orphanet 140162, MedGen C0027672, MeSH D009386, MONDO:0015356.

Submission:

Ambry Genetics
Classification: Uncertain significance for Hereditary cancer-predisposing syndrome. Last evaluated: 2026-07-01. Review status: criteria provided, single submitter. Criteria: Ambry Variant Classification Scheme 2023. Collection method: clinical testing. Allele origin: germline.
Comment: The p.T2629A variant (also known as c.7885A>G), located in coding exon 15 of the APC gene, results from an A to G substitution at nucleotide position 7885. The threonine at codon 2629 is replaced by alanine, an amino acid with similar properties. This amino acid position is conserved. In addition, in silico predictors for this gene do not accurately predict pathogenicity. Based on the available evidence, the clinical significance of this variant remains unclear.